The following is an entry in ClinVar:

ClinVar aggregate classification (germline): Uncertain significance (1 of 4 stars; one submission).

Conditions:
X-linked immunodeficiency with magnesium defect, Epstein-Barr virus infection and neoplasia. Identifiers: Orphanet 317476, MedGen C3275445, MONDO:0010455, OMIM 300853.

Submission:

Labcorp Genetics (formerly Invitae), Labcorp
Classification: Uncertain significance for X-linked immunodeficiency with magnesium defect, Epstein-Barr virus infection and neoplasia. Last evaluated: 2023-11-03. Review status: criteria provided, single submitter. Criteria: Invitae Variant Classification Sherloc (09022015). Collection method: clinical testing. Allele origin: germline.
Comment: This sequence change replaces alanine, which is neutral and non-polar, with proline, which is neutral and non-polar, at codon 61 of the MAGT1 protein (p.Ala61Pro). This variant is not present in population databases (gnomAD no frequency). This variant has not been reported in the literature in individuals affected with MAGT1-related conditions. An algorithm developed to predict the effect of missense changes on protein structure and function (PolyPhen-2) suggests that this variant is likely to be disruptive. In summary, the available evidence is currently insufficient to determine the role of this variant in disease. Therefore, it has been classified as a Variant of Uncertain Significance.

NM_001367916.1(MAGT1):c.85G>C (p.Ala29Pro)

Genes: MAGT1 (magnesium transporter 1; minus strand), LOC130068460 (ATAC-STARR-seq lymphoblastoid active region 29781; plus strand). Cytogenetic location: Xq21.1.
Variant type: single nucleotide variant.
Coding change: c.85G>C on transcript NM_001367916.1 (MANE Select); coding-DNA position 85, G replaced by C.
Protein change: p.Ala29Pro; replaces alanine 29 with proline.
Molecular consequence: missense variant.
Genome position (GRCh38, 1-based): chrX:77,895,326, C>G on the plus strand (G>C on the coding strand, the complement: MAGT1 is on the minus strand). VCF-style: chrX-77895326-C-G. GRCh37 (hg19) VCF-style: chrX-77150823-C-G.
Other names: c.181G>C, p.Ala61Pro (NM_032121.5); short protein forms A29P, A61P.
Identifiers: ClinVar variation 2692875 (VCV002692875.3), dbSNP rs1603366012, ClinGen allele CA413713959.